The following is an entry in ClinVar:

NM_001972.4(ELANE):c.289_300dup (p.Ala100_Val101insGlnValPheAla)

Gene: ELANE (elastase, neutrophil expressed; plus strand). Cytogenetic location: 19p13.3.
Variant type: Duplication.
Coding change: c.289_300dup on transcript NM_001972.4 (MANE Select); coding-DNA positions 289 to 300, 12 bases duplicated (CAGGTGTTCGCC).
Protein change: p.Ala100_Val101insGlnValPheAla.
Molecular consequence: inframe insertion.
Genome position (GRCh38, 1-based): chr19:853,326-853,337, CAGGTGTTCGCC duplicated. VCF-style (leftmost placement, unchanged base first): chr19-853325-G-GCAGGTGTTCGCC. GRCh37 (hg19) VCF-style: chr19-853325-G-GCAGGTGTTCGCC.
Other names: c.289_300dupCAGGTGTTCGCC (NM_001972.4).
Identifiers: ClinVar variation 1693275 (VCV001693275.2), dbSNP rs2145145135, ClinGen allele CA2580096961.

ClinVar aggregate classification (germline): Pathogenic (1 of 4 stars; one submission).

Conditions:
Neutropenia, severe congenital, 1, autosomal dominant. Identifiers: MedGen C1859966, MONDO:0042490, OMIM 202700.

Submission:

Center of Excellence in Precision Medicine and Digital Health (CEPMDH), Faculty of Dentistry, Chulalongkorn University
Classification: Pathogenic for Neutropenia, severe congenital, 1, autosomal dominant. Review status: criteria provided, single submitter. Criteria: ACMG Guidelines, 2015. Collection method: clinical testing. Allele origin: de novo. Inheritance: Autosomal dominant inheritance. Affected: yes. Observed: 1 variant allele, 1 heterozygote.
Comment: The heterozygous 12 base pair (bp) inframe insertion (c.289_300dupCAGGTGTTCGCC; p.Q97_A100dup) was identified in a patient with congenital neutropaenia (Ittiwut et. al. 2020). This variant was absent in the gnomAD or Human Gene Mutation Database (HGMD) database and predicted to have deleterious impact on the biological function of an ELA2 protein by PROVEAN.

Literature cited by the submitters: PubMed 33318085.